The following is an entry in ClinVar:

ClinVar aggregate classification (germline): Benign. Review status: reviewed by expert panel (3 of 4 stars). 22 submissions from 20 submitters: Benign (1). 21 of the submissions do not count toward it. Last evaluated 2019-06-18.

Conditions:
Hereditary breast ovarian cancer syndrome. Also called: BRCA1- and BRCA2-Associated Hereditary Breast and Ovarian Cancer; Hereditary breast and ovarian cancer syndrome; Breast and ovarian cancer; Hereditary breast and ovarian cancer syndrome (HBOC); Hereditary breast and ovarian cancer; Hereditary breast and/or ovarian cancer syndrome. Identifiers: Orphanet 145, MedGen C0677776, MeSH D061325, MONDO:0003582. Disease mechanism: loss of function.
Hereditary cancer-predisposing syndrome. Also called: Hereditary Cancer Syndrome; Hereditary neoplastic syndrome; Neoplastic Syndromes, Hereditary; Tumor predisposition. Identifiers: Orphanet 140162, MedGen C0027672, MeSH D009386, MONDO:0015356.
Breast neoplasm. Also called: Neoplasm of the breast; Breast Neoplasms; Neoplasm of breast; Breast tumor. Identifiers: MedGen C1458155, MeSH D001943, MONDO:0021100, HP:0100013. Disease mechanism: gain of function.
Familial cancer of breast. Also called: BREAST CANCER, FAMILIAL; hereditary breast carcinoma; Hereditary breast cancer. Identifiers: Orphanet 227535, MedGen C0346153, MONDO:0016419, OMIM 114480. Disease mechanism: loss of function.
Fanconi anemia complementation group D1. Also called: BRCA2-Related Fanconi Anemia. Identifiers: Orphanet 319462, MedGen C1838457, MONDO:0011584, OMIM 605724.
Breast-ovarian cancer, familial, susceptibility to, 2 (BROVCA2). Also called: BRCA2 Hereditary Breast and Ovarian Cancer. Identifiers: Orphanet 145, MedGen C2675520, MONDO:0012933, OMIM 612555. Disease mechanism: loss of function.
Malignant tumor of breast. Also called: Malignant breast neoplasm; Cancer breast. Identifiers: MedGen C0006142, MONDO:0007254. Disease mechanism: loss of function.

Allele frequency attached by ClinVar (database versions not stated): TOPMed 0.00001; 1000 Genomes Project 30x 0.00094; 1000 Genomes Project 0.00100.
gnomAD v4.1: 319 of 1,613,902 alleles (0.02%); highest among the groups gnomAD compares: South Asian, 0.32%; 5 homozygotes.

Submissions 1 to 19 of 22:

Evidence-based Network for the Interpretation of Germline Mutant Alleles (ENIGMA)
Classification: Benign for Breast-ovarian cancer, familial, susceptibility to, 2. Last evaluated: 2019-06-18. Review status: reviewed by expert panel. Criteria: ENIGMA BRCA1/2 Classification Criteria (2017-06-29). Collection method: curation. Allele origin: germline.
Comment: IARC class based on posterior probability from multifactorial likelihood analysis, thresholds for class as per Plon et al. 2008 (PMID: 18951446). Class 1 based on posterior probability = 0.000287

Labcorp Genetics (formerly Invitae), Labcorp
Classification: Benign for Hereditary breast ovarian cancer syndrome. Last evaluated: 2026-02-02. Review status: criteria provided, single submitter. Criteria: Invitae Variant Classification Sherloc (09022015). Collection method: clinical testing. Allele origin: germline. Not counted in ClinVar's aggregate classification.

Dasa
Classification: Benign for Breast-ovarian cancer, familial, susceptibility to, 2. Last evaluated: 2025-03-26. Review status: criteria provided, single submitter. Criteria: DASA Assertion Criteria. Collection method: clinical testing. Allele origin: germline. Not counted in ClinVar's aggregate classification.
Comment: NM_000059.4(BRCA2):c.1166C>A (p.Pro389Gln) is a missense variant that results in the substitution of proline with glutamine. Population frequency is inconsistent with a disease-causing role for this variant. Therefore, based on the currently available evidence, this variant is classified as benign.

Center for Genomic Medicine, Rigshospitalet, Copenhagen University Hospital
Classification: Benign. Last evaluated: 2025-03-04. Review status: criteria provided, single submitter. Criteria: ACMG Guidelines, 2015. Collection method: clinical testing. Allele origin: germline. Not counted in ClinVar's aggregate classification.

KCCC/NGS Laboratory, Kuwait Cancer Control Center
Classification: Benign for Familial cancer of breast. Last evaluated: 2025-02-01. Review status: criteria provided, single submitter. Criteria: ACMG Guidelines, 2015. Collection method: clinical testing. Allele origin: germline. Affected: no. Not counted in ClinVar's aggregate classification.

Blueprint Genetics
Classification: Likely benign. Last evaluated: 2023-09-13. Review status: criteria provided, single submitter. Criteria: ACMG Guidelines, 2015. Collection method: clinical testing. Allele origin: germline. Not counted in ClinVar's aggregate classification.

KCCC/NGS Laboratory, Kuwait Cancer Control Center
Classification: Benign for Breast-ovarian cancer, familial, susceptibility to, 2. Last evaluated: 2023-07-07. Review status: criteria provided, single submitter. Criteria: ACMG Guidelines, 2015. Collection method: clinical testing. Allele origin: germline. Affected: yes. Not counted in ClinVar's aggregate classification.

Quest Diagnostics Nichols Institute San Juan Capistrano
Classification: Benign. Last evaluated: 2022-09-15. Review status: criteria provided, single submitter. Criteria: Quest Diagnostics criteria. Collection method: clinical testing. Allele origin: unknown. Not counted in ClinVar's aggregate classification.

National Health Laboratory Service, Universitas Academic Hospital and University of the Free State
Classification: Likely benign for Hereditary breast ovarian cancer syndrome. Last evaluated: 2021-11-16. Review status: criteria provided, single submitter. Criteria: ACMG Guidelines, 2015. Collection method: clinical testing. Allele origin: germline. Affected: yes. Observed: 4 variant alleles. Not counted in ClinVar's aggregate classification.

Sema4
Classification: Likely benign for Hereditary cancer-predisposing syndrome. Last evaluated: 2021-10-02. Review status: criteria provided, single submitter. Criteria: Sema4 Curation Guidelines. Collection method: curation. Allele origin: germline. Not counted in ClinVar's aggregate classification.

ARUP Laboratories, Molecular Genetics and Genomics, ARUP Laboratories
Classification: Likely benign. Last evaluated: 2021-03-24. Review status: criteria provided, single submitter. Criteria: ARUP Molecular Germline Variant Investigation Process 2021. Collection method: clinical testing. Allele origin: germline. Not counted in ClinVar's aggregate classification.

GeneDx
Classification: Likely benign. Last evaluated: 2020-11-19. Review status: criteria provided, single submitter. Criteria: GeneDx Variant Classification Process June 2021. Collection method: clinical testing. Allele origin: germline. Affected: yes. Not counted in ClinVar's aggregate classification.
Comment: This variant is associated with the following publications: (PMID: 22752604, 26898890)

Ambry Genetics
Classification: Likely benign for Hereditary cancer-predisposing syndrome. Last evaluated: 2018-09-18. Review status: criteria provided, single submitter. Criteria: Ambry Variant Classification Scheme 2023. Collection method: clinical testing. Allele origin: germline. Not counted in ClinVar's aggregate classification.

Illumina Laboratory Services, Illumina
Classification: Uncertain significance for Fanconi anemia complementation group D1. Last evaluated: 2018-01-13. Review status: criteria provided, single submitter. Criteria: ICSL Variant Classification Criteria 13 December 2019. Collection method: clinical testing. Allele origin: germline. Not counted in ClinVar's aggregate classification.

Illumina Laboratory Services, Illumina
Classification: Likely benign for Breast-ovarian cancer, familial, susceptibility to, 2. Last evaluated: 2018-01-13. Review status: criteria provided, single submitter. Criteria: ICSL Variant Classification Criteria 13 December 2019. Collection method: clinical testing. Allele origin: germline. Not counted in ClinVar's aggregate classification.
Comment: This variant was observed in the ICSL laboratory as part of a predisposition screen in an ostensibly healthy population. It had not been previously curated by ICSL or reported in the Human Gene Mutation Database (HGMD: prior to June 1st, 2018), and was therefore a candidate for classification through an automated scoring system. Utilizing variant allele frequency, disease prevalence and penetrance estimates, and inheritance mode, an automated score was calculated to assess if this variant is too frequent to cause the disease. Based on the score and internal cut-off values, a variant classified as likely benign is not then subjected to further curation. The score for this variant resulted in a classification of likely benign for this disease.

3DMed Clinical Laboratory Inc
Classification: Uncertain significance for Neoplasm of the breast. Last evaluated: 2017-06-24. Review status: criteria provided, single submitter. Criteria: ACMG Guidelines, 2015. Collection method: clinical testing. Allele origin: germline. Affected: yes. Observed: 2 variant alleles. Not counted in ClinVar's aggregate classification.

Women's Health and Genetics/Laboratory Corporation of America, LabCorp
Classification: Benign. Last evaluated: 2016-06-22. Review status: criteria provided, single submitter. Criteria: LabCorp Variant Classification Summary - May 2015. Collection method: clinical testing. Allele origin: germline. Not counted in ClinVar's aggregate classification.
Comment: Variant summary: The BRCA2 c.1166C>A (p.Pro389Gln) variant involves the alteration of a non-conserved nucleotide. The variant is located outside of any known functional domain and 3/4 in silico tools predict a benign outcome (SNPs&GO not captured due to low reliability index). This variant was found in 60/120896 control chromosomes (2 homozygotes), predominantly observed in the South Asians, a frequency of 0.0036399 (60/16484). This subpopulation frequency is about 5 times the estimated maximal expected allele frequency of a pathogenic BRCA2 variant (0.0007503), suggesting this is likely a benign polymorphism found primarily in the populations of South Asian origin. The variant has been cited in 2 breast cancer patients without evidence of causality (i.e. co-segregation). In addition, multiple clinical diagnostic laboratories/reputable databases classified this variant as Benign/Likely Benign. Taken together and based on the high allele frequency in the South Asian subpopulation in the ExAC database, this missense variant is classified as Benign.

Color Diagnostics, LLC DBA Color Health
Classification: Benign for Hereditary cancer-predisposing syndrome. Last evaluated: 2016-06-14. Review status: criteria provided, single submitter. Criteria: ACMG Guidelines, 2015. Collection method: clinical testing. Allele origin: germline. Not counted in ClinVar's aggregate classification.

Sharing Clinical Reports Project (SCRP)
Classification: Benign for Breast-ovarian cancer, familial 2. Last evaluated: 2012-05-01. Review status: no assertion criteria provided. Collection method: clinical testing. Allele origin: germline. Not counted in ClinVar's aggregate classification.

NM_000059.4(BRCA2):c.1166C>A (p.Pro389Gln)

Gene: BRCA2 (BRCA2 DNA repair associated; plus strand). Cytogenetic location: 13q13.1.
Variant type: single nucleotide variant.
Coding change: c.1166C>A on transcript NM_000059.4 (MANE Select); coding-DNA position 1166, C replaced by A.
Protein change: p.Pro389Gln; replaces proline 389 with glutamine.
Molecular consequence: missense variant.
Genome position (GRCh38, 1-based): chr13:32,332,644, C>A. VCF-style: chr13-32332644-C-A. GRCh37 (hg19) VCF-style: chr13-32906781-C-A.
Other names: NP_000050.3:p.Pro389Gln; 1394C>A; short protein forms P389Q.
Identifiers: ClinVar variation 96762 (VCV000096762.55), dbSNP rs397507263, ClinGen allele CA011014.